The following is an entry in ClinVar:

NM_152468.5(TMC8):c.1065C>G (p.Phe355Leu)

Gene: TMC8 (transmembrane channel like 8; plus strand). Cytogenetic location: 17q25.3.
Variant type: single nucleotide variant.
Coding change: c.1065C>G on transcript NM_152468.5 (MANE Select); coding-DNA position 1065, C replaced by G.
Protein change: p.Phe355Leu; replaces phenylalanine 355 with leucine.
Molecular consequence: missense variant.
Genome position (GRCh38, 1-based): chr17:78,134,947, C>G. VCF-style: chr17-78134947-C-G. GRCh37 (hg19) VCF-style: chr17-76131028-C-G.
Other names: short protein forms F355L.
Identifiers: ClinVar variation 651874 (VCV000651874.1), dbSNP rs760559122, ClinGen allele CA8796717.

ClinVar aggregate classification (germline): Uncertain significance (1 of 4 stars; one submission).

Conditions:
Epidermodysplasia verruciformis, susceptibility to, 1. Identifiers: Orphanet 302, MedGen C4722564, MONDO:0100045, OMIM 226400.

Allele frequency attached by ClinVar (database versions not stated): gnomAD below 0.00001 and 0.00004; gnomAD exomes 0.00006 and 0.00010; ExAC 0.00007.
gnomAD v4.1: 94 of 1,614,042 alleles (0.0058%); highest among the groups gnomAD compares: South Asian, 0.099%; no homozygotes.

Submission:

Labcorp Genetics (formerly Invitae), Labcorp
Classification: Uncertain significance for Epidermodysplasia Verruciformis. Last evaluated: 2018-08-10. Review status: criteria provided, single submitter. Criteria: Invitae Variant Classification Sherloc (09022015). Collection method: clinical testing. Allele origin: germline.
Comment: This sequence change replaces phenylalanine with leucine at codon 355 of the TMC8 protein (p.Phe355Leu). The phenylalanine residue is highly conserved and there is a small physicochemical difference between phenylalanine and leucine. This variant is present in population databases (rs760559122, ExAC 0.05%). This variant has not been reported in the literature in individuals with TMC8-related disease. Algorithms developed to predict the effect of missense changes on protein structure and function are either unavailable or do not agree on the potential impact of this missense change (SIFT: "Deleterious"; PolyPhen-2: "Probably Damaging"; Align-GVGD: "Class C15"). In summary, the available evidence is currently insufficient to determine the role of this variant in disease. Therefore, it has been classified as a Variant of Uncertain Significance.